The following is an entry in ClinVar:

ClinVar aggregate classification (germline): Likely pathogenic (1 of 4 stars; one submission).

Submission:

Labcorp Genetics (formerly Invitae), Labcorp
Classification: Likely pathogenic. Last evaluated: 2022-12-23. Review status: criteria provided, single submitter. Criteria: Invitae Variant Classification Sherloc (09022015). Collection method: clinical testing. Allele origin: germline.
Comment: Disruption of this splice site has been observed in individual(s) with hereditary angioedema types I (PMID: 1684567, 18758157). This sequence change affects a donor splice site in intron 6 of the SERPING1 gene. It is expected to disrupt RNA splicing. Variants that disrupt the donor or acceptor splice site typically lead to a loss of protein function (PMID: 16199547), and loss-of-function variants in SERPING1 are known to be pathogenic (PMID: 11112899, 24456027). This variant is not present in population databases (gnomAD no frequency). Algorithms developed to predict the effect of sequence changes on RNA splicing suggest that this variant may disrupt the consensus splice site. In summary, the currently available evidence indicates that the variant is pathogenic, but additional data are needed to prove that conclusively. Therefore, this variant has been classified as Likely Pathogenic.

Literature cited by the submitters: PubMed 1684567; PubMed 18758157; PubMed 16199547; PubMed 11112899; PubMed 24456027.

NM_000062.3(SERPING1):c.1029+1G>T

Gene: SERPING1 (serpin family G member 1; plus strand). Cytogenetic location: 11q12.1.
Variant type: single nucleotide variant.
Coding change: c.1029+1G>T on transcript NM_000062.3 (MANE Select); the canonical splice donor site of the intron after coding-DNA position 1029, G replaced by T.
Molecular consequence: splice donor variant.
Genome position (GRCh38, 1-based): chr11:57,606,548, G>T. VCF-style: chr11-57606548-G-T. GRCh37 (hg19) VCF-style: chr11-57374021-G-T.
Other names: c.1029+1G>T (NM_001032295.2).
Identifiers: ClinVar variation 2735613 (VCV002735613.3), dbSNP rs2495442676, ClinGen allele CA380701100.